The following is an entry in ClinVar:

ClinVar aggregate classification (germline): Pathogenic (1 of 4 stars; one submission).

Conditions:
Hereditary cancer-predisposing syndrome. Also called: Neoplastic Syndromes, Hereditary; Tumor predisposition; Hereditary Cancer Syndrome; Hereditary neoplastic syndrome. Identifiers: Orphanet 140162, MedGen C0027672, MeSH D009386, MONDO:0015356.

Submission:

Ambry Genetics
Classification: Pathogenic for Hereditary cancer-predisposing syndrome. Last evaluated: 2026-04-13. Review status: criteria provided, single submitter. Criteria: Ambry Variant Classification Scheme 2023. Collection method: clinical testing. Allele origin: germline.
Comment: The c.1241_1260dup20 variant, located in coding exon 10 of the TSC1 gene, results from a duplication of CCACAGTCACACCCCCCAGG at nucleotide position 1241, causing a translational frameshift with a predicted alternate stop codon (p.K421Pfs*26). This variant is considered to be rare based on population cohorts in the Genome Aggregation Database (gnomAD). This variant is expected to result in loss of function by premature protein truncation or nonsense-mediated mRNA decay. In silico splice site analysis predicts that this alteration may weaken the native splice donor site. As such, this variant is interpreted as a disease-causing mutation.

NM_000368.5(TSC1):c.1241_1260dup (p.Lys421fs)

Gene: TSC1 (TSC complex subunit 1; minus strand). Cytogenetic location: 9q34.13.
Variant type: Duplication.
Coding change: c.1241_1260dup on transcript NM_000368.5 (MANE Select); coding-DNA positions 1241 to 1260, 20 bases duplicated (CCACAGTCACACCCCCCAGG).
Protein change: p.Lys421fs; shifts the reading frame from lysine 421.
Molecular consequence: frameshift variant. On other transcripts: non-coding transcript variant (5).
Genome position (GRCh38, 1-based): chr9:132,910,574-132,910,593, CCTGGGGGGTGTGACTGTGG duplicated on the plus strand (CCACAGTCACACCCCCCAGG on the coding strand, the reverse complement: TSC1 is on the minus strand); duplicating any 20 consecutive bases within chr9:132,910,574-132,910,601 gives the same sequence; the c. name uses the placement nearest the transcript's 3' end. VCF-style (leftmost placement, unchanged base first): chr9-132910573-T-TCCTGGGGGGTGTGACTGTGG. GRCh37 (hg19) VCF-style: chr9-135785960-T-TCCTGGGGGGTGTGACTGTGG.
Other names: c.1241_1260dup, p.Lys421fs (NM_001406602.1, NM_001406605.1, NM_001406606.1 and 7 more transcripts); c.1238_1257dup, p.Lys420fs (NM_001406603.1, NM_001406604.1, NM_001406608.1 and 6 more transcripts); c.878_897dup, p.Lys300fs (NM_001406617.1, NM_001406618.1, NM_001406619.1 and 5 more transcripts); c.875_894dup, p.Lys299fs (NM_001406620.1, NM_001406621.1, NM_001406622.1 and 2 more transcripts); c.1088_1107dup, p.Lys370fs (NM_001162427.2, NM_001406610.1); c.1085_1104dup, p.Lys369fs (NM_001406611.1, NM_001406612.1, NM_001406613.1); c.290_309dup, p.Lys104fs (NM_001406626.1); c.287_306dup, p.Lys103fs (NM_001406627.1, NM_001406628.1); and 2 more; short protein forms K103fs, K104fs, K299fs, K300fs, K369fs, K370fs, K420fs, K421fs.
Identifiers: ClinVar variation 4866008 (VCV004866008.1).
Genomic context (GRCh38, chr9:132,910,573, plus strand): 5'-GGCTTGCAAGTGAGTCACTGTGCCTGGGCAGAGGGATAGCAGACGAGCTGGATCGCACCT[T>TCCTGGGGGGTGTGACTGTGG]CCTGGGGGGTGTGACTGTGGCCTGGGGGAGTGAAATGTGCACGTAGTCATCCGAATGACA-3'